The following is an entry in ClinVar:

ClinVar aggregate classification (germline): Likely pathogenic (1 of 4 stars; one submission).

Allele frequency attached by ClinVar (database versions not stated): ExAC 0.00003; gnomAD 0.00003; TOPMed 0.00003; ESP Exome Variant Server 0.00015.

Submission:

Labcorp Genetics (formerly Invitae), Labcorp
Classification: Likely pathogenic. Last evaluated: 2022-12-03. Review status: criteria provided, single submitter. Criteria: Invitae Variant Classification Sherloc (09022015). Collection method: clinical testing. Allele origin: germline.
Comment: This sequence change affects an acceptor splice site in intron 14 of the DUOX2 gene. It is expected to disrupt RNA splicing. Variants that disrupt the donor or acceptor splice site typically lead to a loss of protein function (PMID: 16199547), and loss-of-function variants in DUOX2 are known to be pathogenic (PMID: 12110737, 18765513, 21565790, 24423310, 24735383). The frequency data for this variant in the population databases is considered unreliable, as metrics indicate poor data quality at this position in the gnomAD database. This variant has not been reported in the literature in individuals affected with DUOX2-related conditions. Algorithms developed to predict the effect of sequence changes on RNA splicing suggest that this variant may disrupt the consensus splice site. In summary, the currently available evidence indicates that the variant is pathogenic, but additional data are needed to prove that conclusively. Therefore, this variant has been classified as Likely Pathogenic.

Literature cited by the submitters: PubMed 16199547; PubMed 12110737; PubMed 18765513; PubMed 21565790; PubMed 24423310; PubMed 24735383.

NM_001363711.2(DUOX2):c.1694-2A>T

Gene: DUOX2 (dual oxidase 2; minus strand). Cytogenetic location: 15q21.1.
Variant type: single nucleotide variant.
Coding change: c.1694-2A>T on transcript NM_001363711.2 (MANE Select); the canonical splice acceptor site of the intron before coding-DNA position 1694, A replaced by T.
Molecular consequence: splice acceptor variant.
Genome position (GRCh38, 1-based): chr15:45,106,971, T>A on the plus strand (A>T on the coding strand, the complement: DUOX2 is on the minus strand). VCF-style: chr15-45106971-T-A. GRCh37 (hg19) VCF-style: chr15-45399169-T-A.
Other names: c.1694-2A>T (NM_014080.5).
Identifiers: ClinVar variation 2984429 (VCV002984429.3), dbSNP rs201188869, ClinGen allele CA7538516.